The following is an entry in ClinVar:

NM_018105.3(THAP1):c.131del (p.Asn44fs)

Gene: THAP1 (THAP domain containing 1; minus strand). Cytogenetic location: 8p11.21.
Variant type: Deletion.
Coding change: c.131del on transcript NM_018105.3 (MANE Select); coding-DNA position 131, one base deleted (A; older notation c.131delA).
Protein change: p.Asn44fs; shifts the reading frame from asparagine 44.
Molecular consequence: frameshift variant. On other transcripts: intron variant (1).
Genome position (GRCh38, 1-based): chr8:42,839,322, T deleted on the plus strand (A on the coding strand, the reverse complement: THAP1 is on the minus strand); the first of 6 consecutive T bases (chr8:42,839,322-42,839,327); deleting any one gives the same sequence. VCF-style (leftmost placement, unchanged base first): chr8-42839321-GT-G. GRCh37 (hg19) VCF-style: chr8-42694464-GT-G.
Other names: c.72-986del (NM_199003.2); short protein forms N44fs.
Identifiers: ClinVar variation 532261 (VCV000532261.5), dbSNP rs1554599712, ClinGen allele CA658797093.

ClinVar aggregate classification (germline): Pathogenic (1 of 4 stars; one submission).

Conditions:
Torsion dystonia 6 (DYT6). Also called: DYT-THAP1. Identifiers: Orphanet 98806, MedGen C1414216, MONDO:0011264, OMIM 602629.

Submission:

Labcorp Genetics (formerly Invitae), Labcorp
Classification: Pathogenic for Torsion dystonia 6. Last evaluated: 2023-05-04. Review status: criteria provided, single submitter. Criteria: Invitae Variant Classification Sherloc (09022015). Collection method: clinical testing. Allele origin: germline.
Comment: For these reasons, this variant has been classified as Pathogenic. ClinVar contains an entry for this variant (Variation ID: 532261). This variant has not been reported in the literature in individuals affected with THAP1-related conditions. This variant is not present in population databases (gnomAD no frequency). This sequence change creates a premature translational stop signal (p.Asn44Thrfs*29) in the THAP1 gene. It is expected to result in an absent or disrupted protein product. Loss-of-function variants in THAP1 are known to be pathogenic (PMID: 19345147).

Literature cited by the submitters: PubMed 19345147.